The following is an entry in ClinVar:

ClinVar aggregate classification (germline): Uncertain significance (1 of 4 stars; one submission).

Conditions:
Gorlin syndrome. Also called: Nevoid Basal Cell Carcinoma Syndrome; Basal cell nevus syndrome. Identifiers: Orphanet 377, MedGen C0004779, MONDO:0007187.

Submission:

Labcorp Genetics (formerly Invitae), Labcorp
Classification: Uncertain significance for Gorlin syndrome. Last evaluated: 2020-08-24. Review status: criteria provided, single submitter. Criteria: Invitae Variant Classification Sherloc (09022015). Collection method: clinical testing. Allele origin: germline.
Comment: This variant has not been reported in the literature in individuals with PTCH1-related conditions. ClinVar contains an entry for this variant (Variation ID: 524529). In summary, the available evidence is currently insufficient to determine the role of this variant in disease. Therefore, it has been classified as a Variant of Uncertain Significance. Algorithms developed to predict the effect of missense changes on protein structure and function are either unavailable or do not agree on the potential impact of this missense change (SIFT: "Deleterious"; PolyPhen-2: "Probably Damaging"; Align-GVGD: "Class C0"). This variant is not present in population databases (ExAC no frequency). This sequence change replaces leucine with proline at codon 852 of the PTCH1 protein (p.Leu852Pro). The leucine residue is highly conserved and there is a moderate physicochemical difference between leucine and proline.

NM_000264.5(PTCH1):c.2555T>C (p.Leu852Pro)

Genes: PTCH1 (patched 1; minus strand), LOC100507346 (uncharacterized LOC100507346; plus strand). Cytogenetic location: 9q22.32.
Variant type: single nucleotide variant.
Coding change: c.2555T>C on transcript NM_000264.5 (MANE Select); coding-DNA position 2555, T replaced by C.
Protein change: p.Leu852Pro; replaces leucine 852 with proline.
Molecular consequence: missense variant. On other transcripts: non-coding transcript variant (2).
Genome position (GRCh38, 1-based): chr9:95,467,121, A>G on the plus strand (T>C on the coding strand, the complement: PTCH1 is on the minus strand). VCF-style: chr9-95467121-A-G. GRCh37 (hg19) VCF-style: chr9-98229403-A-G.
Other names: c.2357T>C, p.Leu786Pro (NM_001083602.3); c.2552T>C, p.Leu851Pro (NM_001083603.3); c.2102T>C, p.Leu701Pro (NM_001083604.3, NM_001083605.3, NM_001083606.3 and 1 more transcripts); c.2399T>C, p.Leu800Pro (NM_001354918.2); short protein forms L786P, L852P, L701P, L800P, L851P.
Identifiers: ClinVar variation 524529 (VCV000524529.11), dbSNP rs1554694254, ClinGen allele CA374113678.